The following is an entry in ClinVar:

ClinVar aggregate classification (germline): Pathogenic (1 of 4 stars; one submission).

Conditions:
Hereditary spastic paraplegia 4. Also called: Spastic paraplegia 4, autosomal dominant; Spastic Paraplegia 4; Familial spastic paraplegia autosomal dominant 2. Identifiers: Orphanet 100985, MedGen C1866855, MONDO:0008438, OMIM 182601.

Submission:

Labcorp Genetics (formerly Invitae), Labcorp
Classification: Pathogenic for Hereditary spastic paraplegia 4. Last evaluated: 2020-03-18. Review status: criteria provided, single submitter. Criteria: Invitae Variant Classification Sherloc (09022015). Collection method: clinical testing. Allele origin: germline.
Comment: For these reasons, this variant has been classified as Pathogenic. This variant disrupts the p.Glu356 amino acid residue in SPAST. Other variant(s) that disrupt this residue have been observed in individuals with SPAST-related conditions (PMID: 20562464), which suggests that this may be a clinically significant amino acid residue. Algorithms developed to predict the effect of missense changes on protein structure and function (SIFT, PolyPhen-2, Align-GVGD) all suggest that this variant is likely to be disruptive, but these predictions have not been confirmed by published functional studies and their clinical significance is uncertain. This variant has been observed in individual(s) with clinical features of hereditary spastic paraplegia (PMID: 16832076, 18701882, Invitae). In at least one individual the variant was observed to be de novo. This variant is not present in population databases (ExAC no frequency). This sequence change replaces glutamic acid with glycine at codon 356 of the SPAST protein (p.Glu356Gly). The glutamic acid residue is highly conserved and there is a moderate physicochemical difference between glutamic acid and glycine.

Literature cited by the submitters: PubMed 20562464; PubMed 16832076; PubMed 18701882.

NM_014946.4(SPAST):c.1067A>G (p.Glu356Gly)

Gene: SPAST (spastin; plus strand). Cytogenetic location: 2p22.3.
Variant type: single nucleotide variant.
Coding change: c.1067A>G on transcript NM_014946.4 (MANE Select); coding-DNA position 1067, A replaced by G.
Protein change: p.Glu356Gly; replaces glutamic acid 356 with glycine.
Molecular consequence: missense variant.
Genome position (GRCh38, 1-based): chr2:32,116,181, A>G. VCF-style: chr2-32116181-A-G. GRCh37 (hg19) VCF-style: chr2-32341250-A-G.
Other names: c.1064A>G, p.Glu355Gly (NM_001363823.2); c.968A>G, p.Glu323Gly (NM_001363875.2); c.971A>G, p.Glu324Gly (NM_001377959.1, NM_199436.2); short protein forms E355G, E356G, E323G, E324G.
Identifiers: ClinVar variation 841466 (VCV000841466.9), dbSNP rs1553315345, ClinGen allele CA346499781.
Genomic context (GRCh38, chr2:32,116,181, plus strand): 5'-GAACAGCTGTTAAATTTGATGATATAGCTGGTCAAGACTTGGCAAAACAAGCATTGCAAG[A>G]AATTGTTATTCTTCCTTCTCTGAGGCCTGAGGTAAGAACTTTATATTATCATTTTTCTAT-3'
Protein context (NP_055761.2, residues 346-366): GQDLAKQALQ[Glu356Gly]IVILPSLRPE